The following is an entry in ClinVar:

NM_173354.5(SIK1):c.386A>C (p.Lys129Thr)

Gene: SIK1 (salt inducible kinase 1; minus strand). Cytogenetic location: 21q22.3.
Variant type: single nucleotide variant.
Coding change: c.386A>C on transcript NM_173354.5 (MANE Select); coding-DNA position 386, A replaced by C.
Protein change: p.Lys129Thr; replaces lysine 129 with threonine.
Molecular consequence: missense variant.
Genome position (GRCh38, 1-based): chr21:43,421,751, T>G on the plus strand (A>C on the coding strand, the complement: SIK1 is on the minus strand). VCF-style: chr21-43421751-T-G. GRCh37 (hg19) VCF-style: chr21-44841631-T-G.
Other names: c.386A>C (NM_173354.3); short protein forms K129T.
Identifiers: ClinVar variation 1345197 (VCV001345197.7), dbSNP rs370702184, ClinGen allele CA321328179.

ClinVar aggregate classification (germline): Uncertain significance. Review status: criteria provided, multiple submitters, no conflicts (2 of 4 stars). 2 submissions from 2 submitters: Uncertain significance (2). Last evaluated 2024-10-27.

Conditions:
Developmental and epileptic encephalopathy, 30 (DEE30). Also called: Epileptic encephalopathy, early infantile, 30. Identifiers: MedGen C4225360, MONDO:0014595, OMIM 616341.
Inborn genetic diseases. Identifiers: MedGen C0950123, MeSH D030342.

Allele frequency attached by ClinVar (database versions not stated): gnomAD exomes below 0.00001; ESP Exome Variant Server 0.00008.

Submissions (2):

Labcorp Genetics (formerly Invitae), Labcorp
Classification: Uncertain significance for Developmental and epileptic encephalopathy, 30. Last evaluated: 2024-10-27. Review status: criteria provided, single submitter. Criteria: Invitae Variant Classification Sherloc (09022015). Collection method: clinical testing. Allele origin: germline.
Comment: This sequence change replaces lysine, which is basic and polar, with threonine, which is neutral and polar, at codon 129 of the SIK1 protein (p.Lys129Thr). This variant is present in population databases (rs370702184, gnomAD 0.01%). This variant has not been reported in the literature in individuals affected with SIK1-related conditions. ClinVar contains an entry for this variant (Variation ID: 1345197). An algorithm developed to predict the effect of missense changes on protein structure and function (PolyPhen-2) suggests that this variant is likely to be tolerated. In summary, the available evidence is currently insufficient to determine the role of this variant in disease. Therefore, it has been classified as a Variant of Uncertain Significance.

Ambry Genetics
Classification: Uncertain significance for Inborn genetic diseases. Last evaluated: 2023-10-03. Review status: criteria provided, single submitter. Criteria: Ambry Variant Classification Scheme 2023. Collection method: clinical testing. Allele origin: germline.